The following is an entry in ClinVar:

ClinVar aggregate classification (germline): Uncertain significance (1 of 4 stars; one submission).

Conditions:
FGFR3-related chondrodysplasia. Identifiers: Orphanet 93420, MedGen C5681604, MONDO:0019685.

Submission:

Genomenon, Inc
Classification: Uncertain significance for FGFR3-related chondrodysplasia. Last evaluated: 2026-06-23. Review status: criteria provided, single submitter. Criteria: Genomenon Sequence Variant Interpretation Standards - Updated. Collection method: curation. Allele origin: germline. Affected: no.
Comment: FGFR3 p.Thr626Ala (c.1876A>G) is a missense variant that changes the amino acid at codon 626 from Threonine to Alanine. This variant has been reported in the published literature (PMID:41062690). It is absent or not present at a significant frequency in gnomAD. In silico models predict that this variant is possibly or probably damaging. In conclusion, we classify FGFR3 p.Thr626Ala (c.1876A>G) as a variant of uncertain significance.

Literature cited by the submitters: PubMed 41062690.

NM_000142.5(FGFR3):c.1876A>G (p.Thr626Ala)

Gene: FGFR3 (fibroblast growth factor receptor 3; plus strand). Cytogenetic location: 4p16.3.
Variant type: single nucleotide variant.
Coding change: c.1876A>G on transcript NM_000142.5 (MANE Select); coding-DNA position 1876, A replaced by G.
Protein change: p.Thr626Ala; replaces threonine 626 with alanine.
Molecular consequence: missense variant. On other transcripts: non-coding transcript variant (1).
Genome position (GRCh38, 1-based): chr4:1,806,090, A>G. VCF-style: chr4-1806090-A-G. GRCh37 (hg19) VCF-style: chr4-1807817-A-G.
Other names: c.1882A>G, p.Thr628Ala (NM_001163213.2); c.1879A>G, p.Thr627Ala (NM_001354809.2, NM_001354810.2); c.1540A>G, p.Thr514Ala (NM_022965.4); short protein forms T514A, T626A, T627A, T628A.
Identifiers: ClinVar variation 4857791 (VCV004857791.1).